The following is an entry in ClinVar:

ClinVar aggregate classification (germline): Uncertain significance (1 of 4 stars; one submission).

Conditions:
Cardiovascular phenotype. Identifiers: MedGen CN230736.

Submission:

Ambry Genetics
Classification: Uncertain significance for Cardiovascular phenotype. Last evaluated: 2025-12-21. Review status: criteria provided, single submitter. Criteria: Ambry Variant Classification Scheme 2023. Collection method: clinical testing. Allele origin: germline.
Comment: The p.R510L variant (also known as c.1529G>T), located in coding exon 12 of the ENG gene, results from a G to T substitution at nucleotide position 1529. The arginine at codon 510 is replaced by leucine, an amino acid with dissimilar properties. This amino acid position is conserved. In addition, this alteration is predicted to be tolerated by in silico analysis. Based on the available evidence, the clinical significance of this variant remains unclear.

NM_001114753.3(ENG):c.1529G>T (p.Arg510Leu)

Genes: ENG (endoglin; minus strand), LOC102723566 (uncharacterized LOC102723566; plus strand). Cytogenetic location: 9q34.11.
Variant type: single nucleotide variant.
Coding change: c.1529G>T on transcript NM_001114753.3 (MANE Select); coding-DNA position 1529, G replaced by T.
Protein change: p.Arg510Leu; replaces arginine 510 with leucine.
Molecular consequence: missense variant.
Genome position (GRCh38, 1-based): chr9:127,818,277, C>A on the plus strand (G>T on the coding strand, the complement: ENG is on the minus strand). VCF-style: chr9-127818277-C-A. GRCh37 (hg19) VCF-style: chr9-130580556-C-A.
Other names: c.1529G>T, p.Arg510Leu (NM_000118.4); c.983G>T, p.Arg328Leu (NM_001278138.2); short protein forms R328L, R510L.
Identifiers: ClinVar variation 4843453 (VCV004843453.1).